The following is an entry in ClinVar:

ClinVar aggregate classification (germline): Likely pathogenic (1 of 4 stars; one submission).

Conditions:
Citrin deficiency. Identifiers: Orphanet 247582, MedGen C1997910, MONDO:0016602.

Submission:

Labcorp Genetics (formerly Invitae), Labcorp
Classification: Likely pathogenic for Citrin deficiency. Last evaluated: 2021-05-21. Review status: criteria provided, single submitter. Criteria: Invitae Variant Classification Sherloc (09022015). Collection method: clinical testing. Allele origin: germline.
Comment: In summary, the currently available evidence indicates that the variant is pathogenic, but additional data are needed to prove that conclusively. Therefore, this variant has been classified as Likely Pathogenic. This variant has not been reported in the literature in individuals with SLC25A13-related conditions. This variant results in a copy number gain of the genomic region encompassing exon(s) 5-13 of the SLC25A13 gene. While the exact position of this variant cannot be determined from the data, sub-genic copy number gains are generally in tandem (PMID: 25640679). This variant is predicted to be out-of-frame, and may result in an absent or disrupted protein product. Loss-of-function variants in SLC25A13 are known to be pathogenic (PMID: 10369257, 14680984, 27405544).

Literature cited by the submitters: PubMed 25640679; PubMed 10369257; PubMed 14680984; PubMed 27405544.

NC_000007.13:g.(?_95799347)_(95838299_?)dup

Gene: SLC25A13 (solute carrier family 25 member 13; minus strand). Cytogenetic location: 7q21.3.
Variant type: Duplication.
Identifiers: ClinVar variation 1518932 (VCV001518932.4).